The following is an entry in ClinVar:

NM_001077350.3(NPRL3):c.1535T>C (p.Met512Thr)

Genes: HBA-LCR (alpha-globin locus control region; plus strand), NPRL3 (NPR3 like, GATOR1 complex subunit; minus strand). Cytogenetic location: 16p13.3.
Variant type: single nucleotide variant.
Coding change: c.1535T>C on transcript NM_001077350.3 (MANE Select); coding-DNA position 1535, T replaced by C.
Protein change: p.Met512Thr; replaces methionine 512 with threonine.
Molecular consequence: missense variant.
Genome position (GRCh38, 1-based): chr16:88,707, A>G on the plus strand (T>C on the coding strand, the complement: NPRL3 is on the minus strand). VCF-style: chr16-88707-A-G. GRCh37 (hg19) VCF-style: chr16-138706-A-G.
Other names: c.998T>C, p.Met333Thr (NM_001039476.3); c.1301T>C, p.Met434Thr (NM_001243247.2); c.1460T>C, p.Met487Thr (NM_001243248.2, NM_001243249.2); short protein forms M333T, M434T, M487T, M512T.
Identifiers: ClinVar variation 4975151 (VCV004975151.1).

ClinVar aggregate classification (germline): Uncertain significance (1 of 4 stars; one submission).

gnomAD v4.1: 1 of 1,609,492 alleles (0.000062%); highest among the groups gnomAD compares: Non-Finnish European, 0.000085%; no homozygotes.

Submission:

GeneDx
Classification: Uncertain significance. Last evaluated: 2026-02-19. Review status: criteria provided, single submitter. Criteria: GeneDx Variant Classification Process June 2021. Collection method: clinical testing. Allele origin: germline.
Comment: Not observed at significant frequency in large population cohorts (gnomAD); In silico analysis supports that this missense variant has a deleterious effect on protein structure/function; Has not been previously published as pathogenic or benign to our knowledge